The following is an entry in ClinVar:

ClinVar aggregate classification (germline): Uncertain significance (1 of 4 stars; one submission).

Conditions:
Familial adenomatous polyposis 1 (FAP1). Also called: POLYPOSIS, ADENOMATOUS INTESTINAL; FAMILIAL ADENOMATOUS POLYPOSIS 1, ATTENUATED. Identifiers: MedGen C2713442, MONDO:0021056, OMIM 175100. Disease mechanism: loss of function.

Allele frequency attached by ClinVar (database versions not stated): gnomAD exomes below 0.00001.
gnomAD v4.1: 1 of 1,614,052 alleles (0.000062%); highest among the groups gnomAD compares: Non-Finnish European, 0.000085%; no homozygotes.

Submission:

Labcorp Genetics (formerly Invitae), Labcorp
Classification: Uncertain significance for Familial adenomatous polyposis 1. Last evaluated: 2022-09-01. Review status: criteria provided, single submitter. Criteria: Invitae Variant Classification Sherloc (09022015). Collection method: clinical testing. Allele origin: germline.
Comment: ClinVar contains an entry for this variant (Variation ID: 851804). In summary, the available evidence is currently insufficient to determine the role of this variant in disease. Therefore, it has been classified as a Variant of Uncertain Significance. Algorithms developed to predict the effect of missense changes on protein structure and function (SIFT, PolyPhen-2, Align-GVGD) all suggest that this variant is likely to be disruptive. This variant has not been reported in the literature in individuals affected with APC-related conditions. This variant is not present in population databases (gnomAD no frequency). This sequence change replaces asparagine, which is neutral and polar, with serine, which is neutral and polar, at codon 2667 of the APC protein (p.Asn2667Ser).

NM_000038.6(APC):c.8000A>G (p.Asn2667Ser)

Gene: APC (APC regulator of Wnt signaling pathway; plus strand). Cytogenetic location: 5q22.2.
Variant type: single nucleotide variant.
Coding change: c.8000A>G on transcript NM_000038.6 (MANE Select); coding-DNA position 8000, A replaced by G.
Protein change: p.Asn2667Ser; replaces asparagine 2667 with serine.
Molecular consequence: missense variant.
Genome position (GRCh38, 1-based): chr5:112,843,594, A>G. VCF-style: chr5-112843594-A-G. GRCh37 (hg19) VCF-style: chr5-112179291-A-G.
Other names: c.8000A>G, p.Asn2667Ser (NM_001127510.3, NM_001354895.2); c.7946A>G, p.Asn2649Ser (NM_001127511.3); c.8054A>G, p.Asn2685Ser (NM_001354896.2); c.8030A>G, p.Asn2677Ser (NM_001354897.2); c.7925A>G, p.Asn2642Ser (NM_001354898.2); c.7916A>G, p.Asn2639Ser (NM_001354899.2); c.7877A>G, p.Asn2626Ser (NM_001354900.2); c.7823A>G, p.Asn2608Ser (NM_001354901.2); and 5 more; short protein forms N2566S, N2667S, N2384S, N2576S, N2608S, N2626S, N2642S, N2649S.
Identifiers: ClinVar variation 851804 (VCV000851804.49), dbSNP rs1766619387, ClinGen allele CA16038710.